The following is an entry in ClinVar:

ClinVar aggregate classification (germline): Uncertain significance (1 of 4 stars; one submission).

Conditions:
NECTIN2-related disorder. Also called: NECTIN2-related condition.

gnomAD v4.1: 1 of 1,033,844 alleles (0.000097%); highest among the groups gnomAD compares: Admixed American, 0.0021%; no homozygotes.

Submission:

PreventionGenetics, part of Exact Sciences
Classification: Uncertain significance for NECTIN2-related condition. Last evaluated: 2025-05-12. Review status: criteria provided, single submitter. Criteria: ACMG Guidelines, 2015. Collection method: clinical testing. Allele origin: germline.
Comment: The NECTIN2 c.1086G>A variant is predicted to result in premature protein termination (p.Trp362*). To our knowledge, this variant has not been reported in the literature or in a large population database (gnomAD), indicating this variant is rare. Loss of function is not an established mechanism of NECTIN2-related disease to date. At this time, the clinical significance of this variant is uncertain due to the absence of conclusive functional and genetic evidence.

NM_001042724.2(NECTIN2):c.1042+3788G>A

Gene: NECTIN2 (nectin cell adhesion molecule 2; plus strand). Cytogenetic location: 19q13.32.
Variant type: single nucleotide variant.
Coding change: c.1042+3788G>A on transcript NM_001042724.2 (MANE Select); 3788 bases into the intron after coding-DNA position 1042, G replaced by A.
Molecular consequence: intron variant. On other transcripts: nonsense (1).
Genome position (GRCh38, 1-based): chr19:44,878,266, G>A. VCF-style: chr19-44878266-G-A. GRCh37 (hg19) VCF-style: chr19-45381523-G-A.
Other names: c.1086G>A, p.Trp362Ter (NM_002856.3); short protein forms W362*.
Identifiers: ClinVar variation 4998181 (VCV004998181.1).
Genomic context (GRCh38, chr19:44,878,266, plus strand): 5'-CTTCTCTCTCTCCTCAGAAACCCCCAGGGCCTCGCCCCGAGATGTGGGCCCGCTGGTGTG[G>A]GGGGCCGTGGGGGGGACACTGCTGGTGCTGCTGCTTCTGGCTGGGGGGTCCTTGGCCTTC-3'